The following is an entry in ClinVar:

NM_005535.3(IL12RB1):c.847C>T (p.Arg283Ter)

Gene: IL12RB1 (interleukin 12 receptor subunit beta 1; minus strand). Cytogenetic location: 19p13.11.
Variant type: single nucleotide variant.
Coding change: c.847C>T on transcript NM_005535.3 (MANE Select); coding-DNA position 847, C replaced by T.
Protein change: p.Arg283Ter; replaces arginine 283 with a stop codon.
Molecular consequence: nonsense.
Genome position (GRCh38, 1-based): chr19:18,072,286, G>A on the plus strand (C>T on the coding strand, the complement: IL12RB1 is on the minus strand). VCF-style: chr19-18072286-G-A. GRCh37 (hg19) VCF-style: chr19-18183096-G-A.
Other names: c.847C>T, p.Arg283Ter (NM_001290023.2, NM_153701.3); c.967C>T, p.Arg323Ter (NM_001290024.2); short protein forms R283*, R323*.
Identifiers: ClinVar variation 965792 (VCV000965792.10), dbSNP rs373643598, ClinGen allele CA9305046.

ClinVar aggregate classification (germline): Pathogenic. Review status: criteria provided, multiple submitters, no conflicts (2 of 4 stars). 2 submissions from 2 submitters: Pathogenic (2). Last evaluated 2024-06-04.

Conditions:
Mendelian susceptibility to mycobacterial diseases due to complete IL12RB1 deficiency. Also called: Immunodeficiency 30; IL12RB1 DEFICIENCY. Identifiers: Orphanet 319552, MedGen C4013949, MONDO:0013955, OMIM 614891.

Allele frequency attached by ClinVar (database versions not stated): gnomAD exomes below 0.00001 and 0.00001; TOPMed 0.00001; ExAC 0.00002; ESP Exome Variant Server 0.00008.
gnomAD v4.1: 5 of 1,614,038 alleles (0.00031%); highest among the groups gnomAD compares: East Asian, 0.0022%; no homozygotes.

Submissions (2):

Laboratorio de Genetica e Diagnostico Molecular, Hospital Israelita Albert Einstein
Classification: Pathogenic for Mendelian susceptibility to mycobacterial diseases due to complete IL12RB1 deficiency. Last evaluated: 2024-06-04. Review status: criteria provided, single submitter. Criteria: ACMG Guidelines, 2015. Collection method: clinical testing. Allele origin: germline. Affected: yes.
Comment: ACMG classification criteria: PVS1 very strong, PM2 supporting, PM3 strong

Labcorp Genetics (formerly Invitae), Labcorp
Classification: Pathogenic for Mendelian susceptibility to mycobacterial diseases due to complete IL12RB1 deficiency. Last evaluated: 2023-01-10. Review status: criteria provided, single submitter. Criteria: Invitae Variant Classification Sherloc (09022015). Collection method: clinical testing. Allele origin: germline.
Comment: This sequence change creates a premature translational stop signal (p.Arg283*) in the IL12RB1 gene. It is expected to result in an absent or disrupted protein product. Loss-of-function variants in IL12RB1 are known to be pathogenic (PMID: 9603733, 12591909). This variant is present in population databases (rs373643598, gnomAD 0.006%). For these reasons, this variant has been classified as Pathogenic. Experimental studies have shown that this premature translational stop signal affects IL12RB1 function (PMID: 21812800, 30998751). Algorithms developed to predict the effect of variants on protein structure and function are not available or were not evaluated for this variant. ClinVar contains an entry for this variant (Variation ID: 965792). This premature translational stop signal has been observed in individual(s) with IL12RB1 deficiency and Mendelian susceptibility to mycobacterial disease (PMID: 21812800, 29256176, 30998751).

Literature cited by the submitters: PubMed 9603733 (cited by Labcorp Genetics (formerly Invitae), Labcorp); PubMed 12591909 (cited by Labcorp Genetics (formerly Invitae), Labcorp); PubMed 21812800 (cited by Labcorp Genetics (formerly Invitae), Labcorp); PubMed 30998751 (cited by Labcorp Genetics (formerly Invitae), Labcorp); PubMed 29256176 (cited by Labcorp Genetics (formerly Invitae), Labcorp).